The following is an entry in ClinVar:

ClinVar aggregate classification (germline): Uncertain significance (1 of 4 stars; one submission).

Conditions:
Familial acute necrotizing encephalopathy (IIAE3). Also called: ENCEPHALOPATHY, ACUTE, INFECTION-INDUCED, SUSCEPTIBILITY TO, 3; Susceptibility to Acute Necrotizing Encephalopathy 1. Identifiers: Orphanet 88619, MedGen C2675556, MONDO:0011953, OMIM 608033.

Allele frequency attached by ClinVar (database versions not stated): gnomAD exomes below 0.00001 and 0.00001; ExAC 0.00001; gnomAD 0.00001; TOPMed 0.00001.
gnomAD v4.1: 8 of 1,611,844 alleles (0.0005%); highest among the groups gnomAD compares: East Asian, 0.0022%; no homozygotes.

Submission:

Labcorp Genetics (formerly Invitae), Labcorp
Classification: Uncertain significance for Familial acute necrotizing encephalopathy. Last evaluated: 2019-06-05. Review status: criteria provided, single submitter. Criteria: Invitae Variant Classification Sherloc (09022015). Collection method: clinical testing. Allele origin: germline.
Comment: This sequence change replaces threonine with methionine at codon 2092 of the RANBP2 protein (p.Thr2092Met). The threonine residue is highly conserved and there is a moderate physicochemical difference between threonine and methionine. The frequency data for this variant in the population databases is considered unreliable, as metrics indicate poor data quality at this position in the ExAC database. This variant has not been reported in the literature in individuals with RANBP2-related conditions. Algorithms developed to predict the effect of missense changes on protein structure and function (SIFT, PolyPhen-2, Align-GVGD) all suggest that this variant is likely to be disruptive, but these predictions have not been confirmed by published functional studies and their clinical significance is uncertain. In summary, the available evidence is currently insufficient to determine the role of this variant in disease. Therefore, it has been classified as a Variant of Uncertain Significance.

NM_006267.5(RANBP2):c.6275C>T (p.Thr2092Met)

Gene: RANBP2 (RAN binding protein 2; plus strand). Cytogenetic location: 2q13.
Variant type: single nucleotide variant.
Coding change: c.6275C>T on transcript NM_006267.5 (MANE Select); coding-DNA position 6275, C replaced by T.
Protein change: p.Thr2092Met; replaces threonine 2092 with methionine.
Molecular consequence: missense variant.
Genome position (GRCh38, 1-based): chr2:108,766,814, C>T. VCF-style: chr2-108766814-C-T. GRCh37 (hg19) VCF-style: chr2-109383270-C-T.
Other names: short protein forms T2092M.
Identifiers: ClinVar variation 855409 (VCV000855409.10), dbSNP rs760931362, ClinGen allele CA1823413.
Genomic context (GRCh38, chr2:108,766,814, plus strand): 5'-GAATGCTGATGCGAAGAGAACAAGTACTAAAAGTGTGTGCTAATCATTGGATAACGACTA[C>T]GATGAACCTGAAGCCTCTCTCTGGATCAGATAGAGCATGGATGTGGTTAGCCAGTGATTT-3'
Protein context (NP_006258.3, residues 2082-2102): KVCANHWITT[Thr2092Met]MNLKPLSGSD